The following is an entry in ClinVar:

ClinVar aggregate classification (germline): Conflicting classifications of pathogenicity. Review status: criteria provided, conflicting classifications (1 of 4 stars). 4 submissions from 4 submitters: Pathogenic (2); Uncertain significance (2). Last evaluated 2026-06-03.

Conditions:
Colorectal cancer, hereditary nonpolyposis, type 7. Identifiers: Orphanet 144, MedGen C1858380, MONDO:0013725, OMIM 614385.
Endometrial carcinoma. Also called: Endometrial carcinoma, somatic. Identifiers: MedGen C0476089, MONDO:0002447, OMIM 608089, HP:0012114.

Submissions (4):

Ambry Genetics
Classification: Pathogenic. Last evaluated: 2026-06-03. Review status: criteria provided, single submitter. Criteria: Ambry Variant Classification Scheme 2023. Collection method: clinical testing. Allele origin: germline.
Comment: The c.2021dupA pathogenic mutation, located in coding exon 1 of the MLH3 gene, results from a duplication of A at nucleotide position 2021, causing a translational frameshift with a predicted alternate stop codon (p.N674Kfs*13). This variant is considered to be rare based on population cohorts in the Genome Aggregation Database (gnomAD). This alteration is expected to result in loss of function by premature protein truncation or nonsense-mediated mRNA decay. As such, this alteration is interpreted as a disease-causing mutation.

Myriad Genetics, Inc.
Classification: Pathogenic for Colorectal cancer, hereditary nonpolyposis, type 7. Last evaluated: 2025-12-09. Review status: criteria provided, single submitter. Criteria: Myriad Autosomal Dominant, Autosomal Recessive and X-Linked Classification Criteria (2023). Collection method: clinical testing. Allele origin: unknown.
Comment: This variant is considered pathogenic. This variant creates a frameshift predicted to result in premature protein truncation.

Labcorp Genetics (formerly Invitae), Labcorp
Classification: Uncertain significance for Colorectal cancer, hereditary nonpolyposis, type 7. Last evaluated: 2025-02-03. Review status: criteria provided, single submitter. Criteria: Invitae Variant Classification Sherloc (09022015). Collection method: clinical testing. Allele origin: germline.
Comment: This sequence change creates a premature translational stop signal (p.Asn674Lysfs*13) in the MLH3 gene. It is expected to result in an absent or disrupted protein product. However, the current clinical and genetic evidence is not sufficient to establish whether loss-of-function variants in MLH3 cause disease. The frequency data for this variant in the population databases is considered unreliable, as metrics indicate poor data quality at this position in the gnomAD database. This variant has not been reported in the literature in individuals affected with MLH3-related conditions. ClinVar contains an entry for this variant (Variation ID: 410889). In summary, the available evidence is currently insufficient to determine the role of this variant in disease. Therefore, it has been classified as a Variant of Uncertain Significance.

Baylor Genetics
Classification: Uncertain significance for Endometrial carcinoma. Last evaluated: 2023-05-16. Review status: criteria provided, single submitter. Criteria: ACMG Guidelines, 2015. Collection method: clinical testing. Allele origin: unknown.

NM_001040108.2(MLH3):c.2021dup (p.Asn674fs)

Gene: MLH3 (mutL homolog 3; minus strand). Cytogenetic location: 14q24.3.
Variant type: Duplication.
Coding change: c.2021dup on transcript NM_001040108.2 (MANE Select); coding-DNA position 2021, one base duplicated (A; older notation c.2021dupA).
Protein change: p.Asn674fs; shifts the reading frame from asparagine 674.
Molecular consequence: frameshift variant.
Genome position (GRCh38, 1-based): chr14:75,047,635, T duplicated on the plus strand (A on the coding strand, the reverse complement: MLH3 is on the minus strand); the first of 8 consecutive T bases (chr14:75,047,635-75,047,642); duplicating any one gives the same sequence. VCF-style (leftmost placement, unchanged base first): chr14-75047634-A-AT. GRCh37 (hg19) VCF-style: chr14-75514337-A-AT.
Other names: c.2021dupA (NM_001040108.1); c.2021dup, p.Asn674fs (NM_014381.3); short protein forms N674fs.
Identifiers: ClinVar variation 410889 (VCV000410889.14), dbSNP rs767782578, ClinGen allele CA7275780.